The following is an entry in ClinVar:

NM_001282225.2(ADA2):c.236_322+106del

Gene: ADA2 (adenosine deaminase 2; minus strand). Cytogenetic location: 22q11.1.
Variant type: Deletion.
Coding change: c.236_322+106del on transcript NM_001282225.2 (MANE Select); coding-DNA position 236 through 106 bases into the intron after coding-DNA position 322, 193 bases deleted.
Molecular consequence: splice donor variant. On other transcripts: intron variant (1).
Genome position (GRCh38, 1-based): chr22:17,209,250-17,209,442, 193 bases deleted. GRCh37 (hg19): chr22:17,690,141-17,690,333.
Other names: c.110_196+106del (NM_001282227.2, NM_001282228.2); c.-38-2152_-38-1960del (NM_001282229.2); c.236_322+106del (NM_001282226.2).
Identifiers: ClinVar variation 4733453 (VCV004733453.1).

ClinVar aggregate classification (germline): Pathogenic (1 of 4 stars; one submission).

Conditions:
Deficiency of adenosine deaminase 2. Also called: Adenosine Deaminase 2 Deficiency; VASCULITIS, AUTOINFLAMMATION, IMMUNODEFICIENCY, AND HEMATOLOGIC DEFECTS SYNDROME; Polyarteritis nodosa, childhoood-onset. Identifiers: Orphanet 404553, MedGen C3887654, MONDO:0014306, OMIM 615688, MONDO:0100317.

Submission:

Labcorp Genetics (formerly Invitae), Labcorp
Classification: Pathogenic for Deficiency of adenosine deaminase 2. Last evaluated: 2025-12-16. Review status: criteria provided, single submitter. Criteria: Invitae Variant Classification Sherloc (09022015). Collection method: clinical testing. Allele origin: germline.
Comment: This variant results in the deletion of part of exon 2 (c.236_322+106del) of the ADA2 gene. It is expected to disrupt RNA splicing. Variants that disrupt the donor or acceptor splice site typically lead to a loss of protein function (PMID: 16199547), and loss-of-function variants in ADA2 are known to be pathogenic (PMID: 24552284, 24552285). This variant is not present in population databases (gnomAD no frequency). This variant has not been reported in the literature in individuals affected with ADA2-related conditions. This variant disrupts a region of the ADA2 protein in which other variant(s) (p.Ile93Thr) have been determined to be pathogenic (PMID: 24552284, 33529688, 33815380, 36807221). This suggests that this is a clinically significant region of the protein, and that variants that disrupt it are likely to be disease-causing. For these reasons, this variant has been classified as Pathogenic.

Literature cited by the submitters: PubMed 16199547; PubMed 24552284; PubMed 24552285; PubMed 33529688; PubMed 33815380; PubMed 36807221.